The following is an entry in ClinVar:

NM_024649.5(BBS1):c.1473+2T>C

Genes: ZDHHC24 (zDHHC palmitoyltransferase 24; minus strand), BBS1 (Bardet-Biedl syndrome 1; plus strand). Cytogenetic location: 11q13.2.
Variant type: single nucleotide variant.
Coding change: c.1473+2T>C on transcript NM_024649.5 (MANE Select); the canonical splice donor site of the intron after coding-DNA position 1473, T replaced by C.
Molecular consequence: splice donor variant. On other transcripts: intron variant (1).
Genome position (GRCh38, 1-based): chr11:66,529,954, T>C. VCF-style: chr11-66529954-T-C. GRCh37 (hg19) VCF-style: chr11-66297425-T-C.
Other names: c.560-466A>G (NM_001348571.2).
Identifiers: ClinVar variation 866282 (VCV000866282.7), dbSNP rs1856699646, ClinGen allele CA381424183.

ClinVar aggregate classification (germline): Pathogenic/Likely pathogenic. Review status: criteria provided, multiple submitters, no conflicts (2 of 4 stars). 3 submissions from 3 submitters: Pathogenic (2); Likely pathogenic (1). Last evaluated 2024-09-09.

Conditions:
Bardet-Biedl syndrome 1 (BBS1). Identifiers: MedGen C2936862, MONDO:0008854, OMIM 209900. Disease mechanism: loss of function.
Bardet-Biedl syndrome (BBS). Identifiers: Orphanet 110, MedGen C0752166, MONDO:0015229.
BBS1-related disorder. Also called: BBS1-related condition.

Submissions (3):

Natera, Inc.
Classification: Pathogenic for Bardet-Biedl syndrome type 1. Last evaluated: 2024-09-09. Review status: criteria provided, single submitter. Criteria: Natera Variant Classification Schema (03/2026). Collection method: clinical testing. Allele origin: germline.
Comment: The c.1473+2T>C variant in BBS1 is a canonical splice donor site variant predicted to affect pre-mRNA splicing, which may result in an abnormal transcript and altered protein product. This variant is expected to result in nonsense mediated decay, truncation, or a dysfunctional protein product. This variant is rare in the general population with a frequency below the threshold expected for the associated phenotype(s). This variant has been observed in one or more individuals affected with the associated recessive disease, as either homozygous or compound heterozygous with a second variant (PMID: 34940782). Given the available evidence, this variant is classified as Pathogenic.

Labcorp Genetics (formerly Invitae), Labcorp
Classification: Pathogenic for Bardet-Biedl syndrome. Last evaluated: 2024-01-02. Review status: criteria provided, single submitter. Criteria: Invitae Variant Classification Sherloc (09022015). Collection method: clinical testing. Allele origin: germline.
Comment: This sequence change affects a donor splice site in intron 14 of the BBS1 gene. It is expected to disrupt RNA splicing. Variants that disrupt the donor or acceptor splice site typically lead to a loss of protein function (PMID: 16199547), and loss-of-function variants in BBS1 are known to be pathogenic (PMID: 12118255, 21520335, 27032803). This variant is not present in population databases (gnomAD no frequency). Disruption of this splice site has been observed in individual(s) with clinical features of BBS1-related conditions (PMID: 34940782). ClinVar contains an entry for this variant (Variation ID: 866282). Algorithms developed to predict the effect of sequence changes on RNA splicing suggest that this variant may disrupt the consensus splice site. For these reasons, this variant has been classified as Pathogenic.

Blueprint Genetics
Classification: Likely pathogenic for BBS1-related disorders. Last evaluated: 2019-01-28. Review status: criteria provided, single submitter. Criteria: ACMG Guidelines, 2015. Collection method: clinical testing. Allele origin: germline. Affected: yes. Observed: 1 variant allele.

Literature cited by the submitters: PubMed 34940782 (cited by Natera, Inc. and Labcorp Genetics (formerly Invitae), Labcorp); PubMed 16199547 (cited by Labcorp Genetics (formerly Invitae), Labcorp); PubMed 12118255 (cited by Labcorp Genetics (formerly Invitae), Labcorp); PubMed 21520335 (cited by Labcorp Genetics (formerly Invitae), Labcorp); PubMed 27032803 (cited by Labcorp Genetics (formerly Invitae), Labcorp).